The following is an entry in ClinVar:

NM_153704.6(TMEM67):c.859A>G (p.Ile287Val)

Gene: TMEM67 (transmembrane protein 67; plus strand). Cytogenetic location: 8q22.1.
Variant type: single nucleotide variant.
Coding change: c.859A>G on transcript NM_153704.6 (MANE Select); coding-DNA position 859, A replaced by G.
Protein change: p.Ile287Val; replaces isoleucine 287 with valine.
Molecular consequence: missense variant. On other transcripts: non-coding transcript variant (1).
Genome position (GRCh38, 1-based): chr8:93,780,737, A>G. VCF-style: chr8-93780737-A-G. GRCh37 (hg19) VCF-style: chr8-94792965-A-G.
Other names: c.616A>G, p.Ile206Val (NM_001142301.1); short protein forms I287V, I206V.
Identifiers: ClinVar variation 2173957 (VCV002173957.2), dbSNP rs761957070, ClinGen allele CA4807781.

ClinVar aggregate classification (germline): Uncertain significance. Review status: criteria provided, multiple submitters, no conflicts (2 of 4 stars). 2 submissions from 2 submitters: Uncertain significance (2). Last evaluated 2026-08-08.

Conditions:
Meckel-Gruber syndrome. Also called: DYSENCEPHALIA SPLANCHNOCYSTICA; GRUBER SYNDROME; Dysencephalia splachnocystica. Identifiers: Orphanet 564, MedGen C0265215, MONDO:0018921.
Joubert syndrome. Also called: JOUBERT-BOLTSHAUSER SYNDROME; Familial aplasia of the vermis. Identifiers: Orphanet 475, MedGen C5979921, MONDO:0018772.
TMEM67-related disorder. Also called: TMEM67-related disorders; TMEM67-related condition. Identifiers: MedGen CN239423.

Allele frequency attached by ClinVar (database versions not stated): ExAC 0.00001; gnomAD 0.00001; gnomAD exomes 0.00001; TOPMed 0.00001.
gnomAD v4.1: 4 of 1,613,824 alleles (0.00025%); highest among the groups gnomAD compares: African/African-American, 0.0027%; no homozygotes.

Submissions (2):

PreventionGenetics, part of Exact Sciences
Classification: Uncertain significance for TMEM67-related condition. Last evaluated: 2026-08-08. Review status: criteria provided, single submitter. Criteria: ACMG Guidelines, 2015. Collection method: clinical testing. Allele origin: germline.
Comment: The TMEM67 c.859A>G variant is predicted to result in the amino acid substitution p.Ile287Val. To our knowledge, this variant has not been reported in the literature. This variant is reported in 0.0062% of alleles in individuals of African descent in gnomAD. At this time, the clinical significance of this variant is uncertain due to the absence of conclusive functional and genetic evidence.

Labcorp Genetics (formerly Invitae), Labcorp
Classification: Uncertain significance for Joubert syndrome; Meckel-Gruber syndrome. Last evaluated: 2022-02-24. Review status: criteria provided, single submitter. Criteria: Invitae Variant Classification Sherloc (09022015). Collection method: clinical testing. Allele origin: germline.
Comment: This sequence change replaces isoleucine, which is neutral and non-polar, with valine, which is neutral and non-polar, at codon 287 of the TMEM67 protein (p.Ile287Val). This variant is present in population databases (rs761957070, gnomAD 0.007%). This variant has not been reported in the literature in individuals affected with TMEM67-related conditions. Advanced modeling of protein sequence and biophysical properties (such as structural, functional, and spatial information, amino acid conservation, physicochemical variation, residue mobility, and thermodynamic stability) performed at Invitae indicates that this missense variant is not expected to disrupt TMEM67 protein function. In summary, the available evidence is currently insufficient to determine the role of this variant in disease. Therefore, it has been classified as a Variant of Uncertain Significance.